The following is an entry in ClinVar:

ClinVar aggregate classification (germline): Pathogenic. Review status: criteria provided, single submitter (1 of 4 stars). 2 submissions from 2 submitters: Pathogenic (1). 1 of the submissions does not count toward it. Last evaluated 2016-10-24.

Conditions:
Familial thoracic aortic aneurysm and aortic dissection (TAAD). Also called: Thoracic aortic aneurysms and dissections. Identifiers: Orphanet 91387, MedGen C4707243, MONDO:0019625.
Ehlers-Danlos syndrome, type 4 (EDSVASC). Also called: Ehlers-Danlos syndrome vascular type; Ehlers Danlos syndrome, ecchymotic type; Ehlers Danlos syndrome, arterial type; Ehlers Danlos syndrome, Sack-Barabas type; Ehlers-Danlos Syndrome Type IV. Identifiers: Orphanet 286, MedGen C0268338, MONDO:0017314, OMIM 130050.

Submissions (2):

Ambry Genetics
Classification: Pathogenic for Familial thoracic aortic aneurysm and aortic dissection. Last evaluated: 2016-10-24. Review status: criteria provided, single submitter. Criteria: Ambry Variant Classification Scheme 2023. Collection method: clinical testing. Allele origin: germline.
Comment: The p.G1188R pathogenic mutation (also known as c.3562G>A), located in coding exon 48 of the COL3A1 gene, results from a G to A substitution at nucleotide position 3562. The glycine at codon 1188 is replaced by arginine, an amino acid with dissimilar properties. The majority (approximately two-thirds) of COL3A1 mutations identified to date have involved the substitution of another amino acid for glycine within the triple-helical domain (Schwarze U et al. Am J Hum Genet. 1997;61(6):1276-1286; Pepin MG et al. Genet Med. 2014;16(12):881-8). The p.G1188R mutation (reported with the legacy nomenclature p.G1021R) has been detected in two unrelated individuals with Ehlers-Danlos syndrome type IV (EDS IV), and cultured skin fibroblasts from both patients have been shown to produce abnormal type III procollagen (Pope FM et al. Br. J. Dermatol. 1996;135:163-81; Pepin M et al. N. Engl. J. Med. 2000;342:673-80). In addition, two other alterations associated with EDS IV, p.G1188V and p.G1188E, have been described in the same codon (Narcisi P et al. Am. J. Med. Genet. 1993;46:278-83; Drera B et al. J. Dermatol. Sci. 2011;64:237-40). Based on the supporting evidence, this alteration is interpreted as a disease-causing mutation.

Collagen Diagnostic Laboratory, University of Washington
Classification: Pathogenic for Ehlers-Danlos syndrome, type 4. Review status: no assertion criteria provided. Collection method: clinical testing. Allele origin: germline. Affected: yes. Not counted in ClinVar's aggregate classification.

Literature cited by the submitters: PubMed 10706896 (cited by Ambry Genetics and Collagen Diagnostic Laboratory, University of Washington); PubMed 22019127 (cited by Ambry Genetics); PubMed 24922459 (cited by Ambry Genetics); PubMed 8098182 (cited by Ambry Genetics); PubMed 8881656 (cited by Ambry Genetics).

NM_000090.4(COL3A1):c.3562G>A (p.Gly1188Arg)

Gene: COL3A1 (collagen type III alpha 1 chain; plus strand). Cytogenetic location: 2q32.2.
Variant type: single nucleotide variant.
Coding change: c.3562G>A on transcript NM_000090.4 (MANE Select); coding-DNA position 3562, G replaced by A.
Protein change: p.Gly1188Arg; replaces glycine 1188 with arginine.
Molecular consequence: missense variant.
Genome position (GRCh38, 1-based): chr2:189,008,960, G>A. VCF-style: chr2-189008960-G-A. GRCh37 (hg19) VCF-style: chr2-189873686-G-A.
Identifiers: ClinVar variation 101202 (VCV000101202.4), dbSNP rs587779504, ClinGen allele CA006665.